The following is an entry in ClinVar:

ClinVar aggregate classification (germline): Uncertain significance (1 of 4 stars; one submission).

Conditions:
Early-infantile DEE. Also called: Ohtahara syndrome; Early infantile epileptic encephalopathy; Early infantile epileptic encephalopathy with suppression bursts. Identifiers: Orphanet 1934, MedGen C0393706, MONDO:0800491.

Allele frequency attached by ClinVar (database versions not stated): gnomAD exomes below 0.00001.

Submission:

Labcorp Genetics (formerly Invitae), Labcorp
Classification: Uncertain significance for Early-infantile DEE. Last evaluated: 2022-05-28. Review status: criteria provided, single submitter. Criteria: Invitae Variant Classification Sherloc (09022015). Collection method: clinical testing. Allele origin: germline.
Comment: This variant is present in population databases (no rsID available, gnomAD 0.004%). In summary, the available evidence is currently insufficient to determine the role of this variant in disease. Therefore, it has been classified as a Variant of Uncertain Significance. Algorithms developed to predict the effect of missense changes on protein structure and function are either unavailable or do not agree on the potential impact of this missense change (SIFT: "Deleterious"; PolyPhen-2: "Probably Damaging"; Align-GVGD: "Class C15"). This variant has not been reported in the literature in individuals affected with SLC25A22-related conditions. This sequence change replaces asparagine, which is neutral and polar, with aspartic acid, which is acidic and polar, at codon 14 of the SLC25A22 protein (p.Asn14Asp).

NM_001191061.2(SLC25A22):c.40A>G (p.Asn14Asp)

Gene: SLC25A22 (solute carrier family 25 member 22; minus strand). Cytogenetic location: 11p15.5.
Variant type: single nucleotide variant.
Coding change: c.40A>G on transcript NM_001191061.2 (MANE Select); coding-DNA position 40, A replaced by G.
Protein change: p.Asn14Asp; replaces asparagine 14 with aspartic acid.
Molecular consequence: missense variant.
Genome position (GRCh38, 1-based): chr11:794,882, T>C on the plus strand (A>G on the coding strand, the complement: SLC25A22 is on the minus strand). VCF-style: chr11-794882-T-C. GRCh37 (hg19) VCF-style: chr11-794882-T-C.
Other names: c.40A>G, p.Asn14Asp (NM_001191060.2, NM_024698.6); short protein forms N14D.
Identifiers: ClinVar variation 2176204 (VCV002176204.4), dbSNP rs772408529, ClinGen allele CA378922416.